The following is an entry in ClinVar:

ClinVar aggregate classification (germline): Uncertain significance. Review status: criteria provided, multiple submitters, no conflicts (2 of 4 stars). 2 submissions from 2 submitters: Uncertain significance (2). Last evaluated 2026-09-06.

Conditions:
Hereditary cancer-predisposing syndrome. Also called: Hereditary Cancer Syndrome; Hereditary neoplastic syndrome; Neoplastic Syndromes, Hereditary; Tumor predisposition. Identifiers: Orphanet 140162, MedGen C0027672, MeSH D009386, MONDO:0015356.
Renal cell carcinoma. Identifiers: Orphanet 217071, MedGen C0007134, MeSH D002292, MONDO:0005086, HP:0005584.

Submissions (2):

Ambry Genetics
Classification: Uncertain significance for Hereditary cancer-predisposing syndrome. Last evaluated: 2026-09-06. Review status: criteria provided, single submitter. Criteria: Ambry Variant Classification Scheme 2023. Collection method: clinical testing. Allele origin: germline.
Comment: The p.R191L variant (also known as c.572G>T), located in coding exon 1 of the MET gene, results from a G to T substitution at nucleotide position 572. The arginine at codon 191 is replaced by leucine, an amino acid with dissimilar properties. This amino acid position is conserved. In addition, the in silico prediction for this alteration is inconclusive. Based on the available evidence, the clinical significance of this variant remains unclear.

Labcorp Genetics (formerly Invitae), Labcorp
Classification: Uncertain significance for Renal cell carcinoma. Last evaluated: 2023-12-15. Review status: criteria provided, single submitter. Criteria: Invitae Variant Classification Sherloc (09022015). Collection method: clinical testing. Allele origin: germline.
Comment: This sequence change replaces arginine, which is basic and polar, with leucine, which is neutral and non-polar, at codon 191 of the MET protein (p.Arg191Leu). This variant is not present in population databases (gnomAD no frequency). This variant has not been reported in the literature in individuals affected with MET-related conditions. Advanced modeling of protein sequence and biophysical properties (such as structural, functional, and spatial information, amino acid conservation, physicochemical variation, residue mobility, and thermodynamic stability) performed at Invitae indicates that this missense variant is not expected to disrupt MET protein function with a negative predictive value of 80%. In summary, the available evidence is currently insufficient to determine the role of this variant in disease. Therefore, it has been classified as a Variant of Uncertain Significance.

NM_000245.4(MET):c.572G>T (p.Arg191Leu)

Gene: MET (MET proto-oncogene, receptor tyrosine kinase; plus strand). Cytogenetic location: 7q31.2.
Variant type: single nucleotide variant.
Coding change: c.572G>T on transcript NM_000245.4 (MANE Select); coding-DNA position 572, G replaced by T.
Protein change: p.Arg191Leu; replaces arginine 191 with leucine.
Molecular consequence: missense variant. On other transcripts: intron variant (1).
Genome position (GRCh38, 1-based): chr7:116,699,656, G>T. VCF-style: chr7-116699656-G-T. GRCh37 (hg19) VCF-style: chr7-116339710-G-T.
Other names: c.572G>T, p.Arg191Leu (NM_001127500.3, NM_001324401.3); c.-91+27079G>T (NM_001324402.2); short protein forms R191L.
Identifiers: ClinVar variation 2956031 (VCV002956031.4), dbSNP rs879254342, ClinGen allele CA368969372.